The following is an entry in ClinVar:

ClinVar aggregate classification (germline): Likely pathogenic. Review status: criteria provided, multiple submitters, no conflicts (2 of 4 stars). 2 submissions from 2 submitters: Likely pathogenic (2). Last evaluated 2025-03-28.

Conditions:
Early-infantile DEE. Also called: Early infantile epileptic encephalopathy; Ohtahara syndrome; Early infantile epileptic encephalopathy with suppression bursts. Identifiers: Orphanet 1934, MedGen C0393706, MONDO:0800491.

Submissions (2):

GeneDx
Classification: Likely pathogenic. Last evaluated: 2025-03-28. Review status: criteria provided, single submitter. Criteria: GeneDx Variant Classification Process June 2021. Collection method: clinical testing. Allele origin: germline. Affected: yes.
Comment: Reported in one individual from a cohort of patients with epilepsy and/or neurodevelopmental disorders (PMID: 29655203); Not observed at significant frequency in large population cohorts (gnomAD); This substitution is predicted to be within the transmembrane segment S5 of the third homologous domain; In silico analysis supports that this missense variant has a deleterious effect on protein structure/function; This variant is associated with the following publications: (PMID: 29655203)

Labcorp Genetics (formerly Invitae), Labcorp
Classification: Likely pathogenic for Early-infantile DEE. Last evaluated: 2022-08-22. Review status: criteria provided, single submitter. Criteria: Invitae Variant Classification Sherloc (09022015). Collection method: clinical testing. Allele origin: germline.
Comment: ClinVar contains an entry for this variant (Variation ID: 418476). In summary, the currently available evidence indicates that the variant is pathogenic, but additional data are needed to prove that conclusively. Therefore, this variant has been classified as Likely Pathogenic. This variant disrupts the p.Val1366 amino acid residue in SCN1A. Other variant(s) that disrupt this residue have been determined to be pathogenic (PMID: 17507202, 25576396). This suggests that this residue is clinically significant, and that variants that disrupt this residue are likely to be disease-causing. Advanced modeling of protein sequence and biophysical properties (such as structural, functional, and spatial information, amino acid conservation, physicochemical variation, residue mobility, and thermodynamic stability) performed at Invitae indicates that this missense variant is expected to disrupt SCN1A protein function. This missense change has been observed in individual(s) with clinical features of SCN1A-related conditions (PMID: 29655203). This variant is not present in population databases (gnomAD no frequency). This sequence change replaces valine, which is neutral and non-polar, with leucine, which is neutral and non-polar, at codon 1366 of the SCN1A protein (p.Val1366Leu).

Literature cited by the submitters: PubMed 17507202 (cited by Labcorp Genetics (formerly Invitae), Labcorp); PubMed 25576396 (cited by Labcorp Genetics (formerly Invitae), Labcorp); PubMed 29655203 (cited by Labcorp Genetics (formerly Invitae), Labcorp).

NM_001165963.4(SCN1A):c.4096G>T (p.Val1366Leu)

Genes: SCN1A (sodium voltage-gated channel alpha subunit 1; minus strand), LOC102724058 (uncharacterized LOC102724058; plus strand). Cytogenetic location: 2q24.3.
Variant type: single nucleotide variant.
Coding change: c.4096G>T on transcript NM_001165963.4 (MANE Select); coding-DNA position 4096, G replaced by T.
Protein change: p.Val1366Leu; replaces valine 1366 with leucine.
Molecular consequence: missense variant. On other transcripts: non-coding transcript variant (1).
Genome position (GRCh38, 1-based): chr2:166,002,660, C>A on the plus strand (G>T on the coding strand, the complement: SCN1A is on the minus strand). VCF-style: chr2-166002660-C-A. GRCh37 (hg19) VCF-style: chr2-166859170-C-A.
Other names: c.4012G>T, p.Val1338Leu (NM_001165964.3, NM_001353957.2, NM_001353958.2); c.4096G>T, p.Val1366Leu (NM_001202435.3, NM_001353948.2); c.4063G>T, p.Val1355Leu (NM_001353949.2, NM_001353950.2, NM_001353951.2 and 2 more transcripts); c.4060G>T, p.Val1354Leu (NM_001353954.2, NM_001353955.2); c.4009G>T, p.Val1337Leu (NM_001353960.2); c.1654G>T, p.Val552Leu (NM_001353961.2); short protein forms V1355L, V1366L, V1354L, V1338L, V1337L, V552L.
Identifiers: ClinVar variation 418476 (VCV000418476.10), dbSNP rs121918805, ClinGen allele CA16617293.
Genomic context (GRCh38, chr2:166,002,660, plus strand): 5'-CAAACCTGTCACCAGTTGTGGTGTTAATACAGTGGTAGAATTTGCCAGCAAACAAATTTA[C>A]GCCCATGATGCTGAAAATTAGCCAGAATATAAGACAAACCAGAAGCACATTCATGATGGA-3'
Protein context (NP_001159435.1, residues 1356-1376): IFWLIFSIMG[Val1366Leu]NLFAGKFYHC